The following is an entry in ClinVar:

NM_000023.4(SGCA):c.37+290G>A

Gene: SGCA (sarcoglycan alpha; plus strand). Cytogenetic location: 17q21.33.
Variant type: single nucleotide variant.
Coding change: c.37+290G>A on transcript NM_000023.4 (MANE Select); 290 bases into the intron after coding-DNA position 37, G replaced by A.
Molecular consequence: intron variant.
Genome position (GRCh38, 1-based): chr17:50,166,367, G>A. VCF-style: chr17-50166367-G-A. GRCh37 (hg19) VCF-style: chr17-48243728-G-A.
Other names: c.37+290G>A (NM_001135697.3).
Identifiers: ClinVar variation 673966 (VCV000673966.1), dbSNP rs73987434, ClinGen allele CA291535625.

ClinVar aggregate classification (germline): Likely benign (1 of 4 stars; one submission).

Allele frequency attached by ClinVar (database versions not stated): gnomAD 0.00985 and 0.01040; TOPMed 0.01130; 1000 Genomes Project 0.01178; 1000 Genomes Project 30x 0.01327.
gnomAD v4.1: 1,479 of 152,214 alleles (0.97%); highest among the groups gnomAD compares: African/African-American, 3.4%; 23 homozygotes.

Submission:

GeneDx
Classification: Likely benign. Last evaluated: 2018-06-18. Review status: criteria provided, single submitter. Criteria: GeneDx Variant Classification (06012015). Collection method: clinical testing. Allele origin: germline. Affected: yes.
Comment: This variant is considered likely benign or benign based on one or more of the following criteria: it is a conservative change, it occurs at a poorly conserved position in the protein, it is predicted to be benign by multiple in silico algorithms, and/or has population frequency not consistent with disease.